The following is an entry in ClinVar:

NM_000540.3(RYR1):c.9245A>G (p.Lys3082Arg)

Gene: RYR1 (ryanodine receptor 1; plus strand). Cytogenetic location: 19q13.2.
Variant type: single nucleotide variant.
Coding change: c.9245A>G on transcript NM_000540.3 (MANE Select); coding-DNA position 9245, A replaced by G.
Protein change: p.Lys3082Arg; replaces lysine 3082 with arginine.
Molecular consequence: missense variant.
Genome position (GRCh38, 1-based): chr19:38,512,256, A>G. VCF-style: chr19-38512256-A-G. GRCh37 (hg19) VCF-style: chr19-39002896-A-G.
Other names: c.9245A>G, p.Lys3082Arg (NM_001042723.2); short protein forms K3082R.
Identifiers: ClinVar variation 3070040 (VCV003070040.1), dbSNP rs2514405501, ClinGen allele CA405686079.

ClinVar aggregate classification (germline): Uncertain significance (1 of 4 stars; one submission).

Conditions:
Malignant hyperthermia, susceptibility to, 1 (MHS1). Also called: RYR1-Related Malignant Hyperthermia Susceptibility; Anesthesia related hyperthermia; Malignant hyperpyrexia; Fulminating hyperpyrexia; Pharmacogenic myopathy; Malignant hyperthermia suceptibility 1. Identifiers: Orphanet 423, MedGen C2930980, MONDO:0007783, OMIM 145600.

Submission:

All of Us Research Program, National Institutes of Health
Classification: Uncertain significance for Malignant hyperthermia, susceptibility to, 1. Last evaluated: 2023-04-27. Review status: criteria provided, single submitter. Criteria: ACMG Guidelines, 2015. Collection method: clinical testing. Allele origin: germline. Inheritance: Autosomal dominant inheritance. Observed: 1 variant allele, 1 heterozygote.
Comment: This study involves interpretation of variants in research participants for the purpose of population health screening. Participant phenotype was not available at the time of variant classification. Additional details can be found in publication PMID: 35346344, PMCID: PMC8962531